The following is an entry in ClinVar:

NM_000037.4(ANK1):c.4538G>A (p.Gly1513Asp)

Gene: ANK1 (ankyrin 1; minus strand). Cytogenetic location: 8p11.21.
Variant type: single nucleotide variant.
Coding change: c.4538G>A on transcript NM_000037.4 (MANE Select); coding-DNA position 4538, G replaced by A.
Protein change: p.Gly1513Asp; replaces glycine 1513 with aspartic acid.
Molecular consequence: missense variant. On other transcripts: intron variant (1).
Genome position (GRCh38, 1-based): chr8:41,672,912, C>T on the plus strand (G>A on the coding strand, the complement: ANK1 is on the minus strand). VCF-style: chr8-41672912-C-T. GRCh37 (hg19) VCF-style: chr8-41530430-C-T.
Other names: c.4661G>A, p.Gly1554Asp (NM_001142446.2); c.4538G>A, p.Gly1513Asp (NM_020475.3, NM_020476.3); c.4538-486G>A (NM_020477.3); c.4538G>A (NM_000037.3); short protein forms G1513D, G1554D.
Identifiers: ClinVar variation 2671689 (VCV002671689.2), dbSNP rs2487641318, ClinGen allele CA371054877.

ClinVar aggregate classification (germline): Uncertain significance. Review status: criteria provided, multiple submitters, no conflicts (2 of 4 stars). 2 submissions from 2 submitters: Uncertain significance (2). Last evaluated 2026-02-04.

Conditions:
Hereditary spherocytosis type 1. Also called: Spherocytosis type 1; ANK1-Related Spherocytosis. Identifiers: Orphanet 822, MedGen C2674218, MONDO:0008447, OMIM 182900.

Submissions (2):

GeneDx
Classification: Uncertain significance. Last evaluated: 2026-02-04. Review status: criteria provided, single submitter. Criteria: GeneDx Variant Classification Process June 2021. Collection method: clinical testing. Allele origin: germline.
Comment: Not observed at significant frequency in large population cohorts (gnomAD); In silico analysis supports that this missense variant has a deleterious effect on protein structure/function; Has not been previously published as pathogenic or benign to our knowledge; In silico analysis is inconclusive as to whether the variant alters gene splicing. In the absence of RNA/functional studies, the actual effect of this sequence change is unknown.

Neuberg Centre For Genomic Medicine, NCGM
Classification: Uncertain significance for Hereditary spherocytosis type 1. Last evaluated: 2023-03-01. Review status: criteria provided, single submitter. Criteria: ACMG Guidelines, 2015. Collection method: clinical testing. Allele origin: germline. Inheritance: Autosomal recessive inheritance. Affected: yes.
Comment: The missense c.4538G>A (p.Gly1513Asp) variant in ANK1 gene has not been reported previously as a pathogenic variant nor as a benign variant, to our knowledge. The p.Gly1513Asp variant is novel (not in any individuals) in both gnomAD Exomes and 1000 Genomes databases. This variant has not been reported to the ClinVar database. The amino acid change p.Gly1513Asp in ANK1 is predicted as conserved by GERP++ and PhyloP across 100 vertebrates. The amino acid Gly at position 1513 is changed to a Asp changing protein sequence and it might alter its composition and physico-chemical properties. For these reasons, this variant has been classified as a Variant of Uncertain Significance (VUS).